The following is an entry in ClinVar:

ClinVar aggregate classification (germline): Uncertain significance. Review status: criteria provided, multiple submitters, no conflicts (2 of 4 stars). 3 submissions from 3 submitters: Uncertain significance (3). Last evaluated 2024-03-20.

Conditions:
Colorectal cancer, susceptibility to, 1. Also called: COLORECTAL CANCER, SUSCEPTIBILITY TO, ON CHROMOSOME 9; COLORECTAL ADENOMA AND CANCER, SUSCEPTIBILITY TO. Identifiers: MedGen C1837315, MONDO:0012132, OMIM 608812.

Allele frequency attached by ClinVar (database versions not stated): TOPMed 0.00001; gnomAD 0.00002.

Submissions (3):

Baylor Genetics
Classification: Uncertain significance for Colorectal cancer, susceptibility to, 1. Last evaluated: 2024-03-20. Review status: criteria provided, single submitter. Criteria: ACMG Guidelines, 2015. Collection method: clinical testing. Allele origin: unknown.

Ambry Genetics
Classification: Uncertain significance. Last evaluated: 2023-10-11. Review status: criteria provided, single submitter. Criteria: Ambry Variant Classification Scheme 2023. Collection method: clinical testing. Allele origin: germline.
Comment: The c.918-2A>C intronic variant results from an A to C substitution two nucleotides upstream from coding exon 5 in the GALNT12 gene. This nucleotide position is highly conserved in available vertebrate species. In silico splice site analysis predicts that this alteration will weaken the native splice acceptor site. The evidence for this gene-disease relationship is limited; therefore, the clinical significance of this alteration is unclear.

Labcorp Genetics (formerly Invitae), Labcorp
Classification: Uncertain significance. Last evaluated: 2022-03-27. Review status: criteria provided, single submitter. Criteria: Invitae Variant Classification Sherloc (09022015). Collection method: clinical testing. Allele origin: germline.
Comment: In summary, the available evidence is currently insufficient to determine the role of this variant in disease. Therefore, it has been classified as a Variant of Uncertain Significance. Algorithms developed to predict the effect of sequence changes on RNA splicing suggest that this variant may disrupt the consensus splice site. ClinVar contains an entry for this variant (Variation ID: 823071). This variant has not been reported in the literature in individuals affected with GALNT12-related conditions. This variant is present in population databases (no rsID available, gnomAD 0.0009%). This sequence change affects an acceptor splice site in intron 4 of the GALNT12 gene. It is expected to disrupt RNA splicing. Variants that disrupt the donor or acceptor splice site typically lead to a loss of protein function (PMID: 16199547), however the current clinical and genetic evidence is not sufficient to establish whether loss-of-function variants in GALNT12 cause disease.

Literature cited by the submitters: PubMed 16199547 (cited by Labcorp Genetics (formerly Invitae), Labcorp).

NM_024642.5(GALNT12):c.918-2A>C

Gene: GALNT12 (polypeptide N-acetylgalactosaminyltransferase 12; plus strand). Cytogenetic location: 9q22.33.
Variant type: single nucleotide variant.
Coding change: c.918-2A>C on transcript NM_024642.5 (MANE Select); the canonical splice acceptor site of the intron before coding-DNA position 918, A replaced by C.
Molecular consequence: splice acceptor variant.
Genome position (GRCh38, 1-based): chr9:98,835,247, A>C. VCF-style: chr9-98835247-A-C. GRCh37 (hg19) VCF-style: chr9-101597529-A-C.
Identifiers: ClinVar variation 823071 (VCV000823071.10), dbSNP rs778081163, ClinGen allele CA374219311.
Genomic context (GRCh38, chr9:98,835,247, plus strand): 5'-GTTGGATAACTGTGATGGTTTTCTGCTGTCTACAGTGAAATAAGGATATCATACTTTTTT[A>C]GGTCTCCAACAATGGCTGGTGGGCTGTTTGCTGTGAGTAAGAAATATTTTGAATATCTGG-3'